The following is an entry in ClinVar:

NM_205850.3(SLC24A5):c.848A>G (p.His283Arg)

Genes: MYEF2 (myelin expression factor 2; minus strand), SLC24A5 (solute carrier family 24 member 5; plus strand). Cytogenetic location: 15q21.1.
Variant type: single nucleotide variant.
Coding change: c.848A>G on transcript NM_205850.3 (MANE Select); coding-DNA position 848, A replaced by G.
Protein change: p.His283Arg; replaces histidine 283 with arginine.
Molecular consequence: missense variant. On other transcripts: 3 prime UTR variant (2).
Genome position (GRCh38, 1-based): chr15:48,136,940, A>G. VCF-style: chr15-48136940-A-G. GRCh37 (hg19) VCF-style: chr15-48429137-A-G.
Other names: c.*5968T>C (NM_001301210.2, NM_016132.5); short protein forms H283R.
Identifiers: ClinVar variation 1995283 (VCV001995283.4), dbSNP rs926843077, ClinGen allele CA392452012.
Genomic context (GRCh38, chr15:48,136,940, plus strand): 5'-GAACTGATAGTGGAATATTTTATGAAGATTCTGGCTACTCTCAGCTCTCTATAAGTTTAC[A>G]TGGCCTTAGTCAGGTTTCTGAAGGTAATCACTAAATCTTGCCCATTATTAAGTCTATTCG-3'
Protein context (NP_995322.1, residues 273-293): SGYSQLSISL[His283Arg]GLSQVSEDPP

ClinVar aggregate classification (germline): Uncertain significance (1 of 4 stars; one submission).

Allele frequency attached by ClinVar (database versions not stated): gnomAD exomes below 0.00001.
gnomAD v4.1: 1 of 1,612,950 alleles (0.000062%); highest among the groups gnomAD compares: Non-Finnish European, 0.000085%; no homozygotes.

Submission:

Labcorp Genetics (formerly Invitae), Labcorp
Classification: Uncertain significance. Last evaluated: 2022-05-16. Review status: criteria provided, single submitter. Criteria: Invitae Variant Classification Sherloc (09022015). Collection method: clinical testing. Allele origin: germline.
Comment: This sequence change replaces histidine, which is basic and polar, with arginine, which is basic and polar, at codon 283 of the SLC24A5 protein (p.His283Arg). This variant is not present in population databases (gnomAD no frequency). This variant has not been reported in the literature in individuals affected with SLC24A5-related conditions. Algorithms developed to predict the effect of missense changes on protein structure and function (SIFT, PolyPhen-2, Align-GVGD) all suggest that this variant is likely to be tolerated. In summary, the available evidence is currently insufficient to determine the role of this variant in disease. Therefore, it has been classified as a Variant of Uncertain Significance.